The following is an entry in ClinVar:

NM_001267550.2(TTN):c.47765C>T (p.Thr15922Ile)

Genes: TTN-AS1 (TTN antisense RNA 1; plus strand), TTN (titin; minus strand). Cytogenetic location: 2q31.2.
Variant type: single nucleotide variant.
Coding change: c.47765C>T on transcript NM_001267550.2 (MANE Select); coding-DNA position 47765, C replaced by T.
Protein change: p.Thr15922Ile; replaces threonine 15922 with isoleucine.
Molecular consequence: missense variant.
Genome position (GRCh38, 1-based): chr2:178,617,230, G>A on the plus strand (C>T on the coding strand, the complement: TTN is on the minus strand). VCF-style: chr2-178617230-G-A. GRCh37 (hg19) VCF-style: chr2-179481957-G-A.
Other names: c.42842C>T, p.Thr14281Ile (NM_001256850.1); c.20570C>T, p.Thr6857Ile (NM_003319.4); c.40061C>T, p.Thr13354Ile (NM_133378.4); c.20945C>T, p.Thr6982Ile (NM_133432.3); c.21146C>T, p.Thr7049Ile (NM_133437.4); short protein forms T13354I, T14281I, T15922I, T6857I, T6982I, T7049I.
Identifiers: ClinVar variation 1785143 (VCV001785143.2), dbSNP rs2057504360, ClinGen allele CA349613428.

ClinVar aggregate classification (germline): Uncertain significance (1 of 4 stars; one submission).

Conditions:
Cardiovascular phenotype. Identifiers: MedGen CN230736.

Allele frequency attached by ClinVar (database versions not stated): gnomAD exomes below 0.00001.
gnomAD v4.1: 3 of 1,543,886 alleles (0.00019%); highest among the groups gnomAD compares: East Asian, 0.0072%; no homozygotes.

Submission:

Ambry Genetics
Classification: Uncertain significance for Cardiovascular phenotype. Last evaluated: 2020-04-27. Review status: criteria provided, single submitter. Criteria: Ambry Variant Classification Scheme 2023. Collection method: clinical testing. Allele origin: germline.
Comment: The p.T6857I variant (also known as c.20570C>T), located in coding exon 82 of the TTN gene, results from a C to T substitution at nucleotide position 20570. The threonine at codon 6857 is replaced by isoleucine, an amino acid with similar properties. This amino acid position is not well conserved in available vertebrate species. In addition, this alteration is predicted to be tolerated by in silico analysis. Since supporting evidence is limited at this time, the clinical significance of this alteration remains unclear.